The following is an entry in ClinVar:

ClinVar aggregate classification (germline): Likely pathogenic (1 of 4 stars; one submission).

Conditions:
Deficiency of aromatic-L-amino-acid decarboxylase. Also called: AADC DEFICIENCY; DDC DEFICIENCY; DOPA DECARBOXYLASE DEFICIENCY; Aromatic L-Amino Acid Decarboxylase Deficiency; Aromatic amino acid decarboxylase deficiency. Identifiers: Orphanet 35708, MedGen C1291564, MONDO:0012084, OMIM 608643.

Submission:

Labcorp Genetics (formerly Invitae), Labcorp
Classification: Likely pathogenic for Deficiency of aromatic-L-amino-acid decarboxylase. Last evaluated: 2024-01-21. Review status: criteria provided, single submitter. Criteria: Invitae Variant Classification Sherloc (09022015). Collection method: clinical testing. Allele origin: germline.
Comment: This sequence change affects a donor splice site in intron 8 of the DDC gene. It is expected to disrupt RNA splicing. Variants that disrupt the donor or acceptor splice site typically lead to a loss of protein function (PMID: 16199547), and loss-of-function variants in DDC are known to be pathogenic (PMID: 15079002, 24788355). This variant is not present in population databases (gnomAD no frequency). This variant has not been reported in the literature in individuals affected with DDC-related conditions. Algorithms developed to predict the effect of sequence changes on RNA splicing suggest that this variant may disrupt the consensus splice site. In summary, the currently available evidence indicates that the variant is pathogenic, but additional data are needed to prove that conclusively. Therefore, this variant has been classified as Likely Pathogenic.

Literature cited by the submitters: PubMed 16199547; PubMed 15079002; PubMed 24788355.

NM_001082971.2(DDC):c.876+1G>T

Gene: DDC (dopa decarboxylase; minus strand). Cytogenetic location: 7p12.2.
Variant type: single nucleotide variant.
Coding change: c.876+1G>T on transcript NM_001082971.2 (MANE Select); the canonical splice donor site of the intron after coding-DNA position 876, G replaced by T.
Molecular consequence: splice donor variant.
Genome position (GRCh38, 1-based): chr7:50,499,147, C>A on the plus strand (G>T on the coding strand, the complement: DDC is on the minus strand). VCF-style: chr7-50499147-C-A. GRCh37 (hg19) VCF-style: chr7-50566845-C-A.
Other names: c.642+1G>T (NM_001242888.2); c.762+1G>T (NM_001242886.2); c.597+1G>T (NM_001242889.2); c.732+1G>T (NM_001242887.2); c.876+1G>T (NM_000790.4, NM_001242890.2).
Identifiers: ClinVar variation 2710545 (VCV002710545.3), dbSNP rs2535193057, ClinGen allele CA367538192.